The following is an entry in ClinVar:

GRCh38/hg38 9q34.3(chr9:136323974-138014606)x1

Genes: ABCA2 (ATP binding cassette subfamily A member 2; minus strand), AGPAT2 (1-acylglycerol-3-phosphate O-acyltransferase 2; minus strand), AJM1 (apical junction component 1 homolog; plus strand), ANAPC2 (anaphase promoting complex subunit 2; minus strand), ARRDC1 (arrestin domain containing 1; plus strand) and 280 more. Cytogenetic location: 9q34.3.
Variant type: copy number loss.
Change: copy number 1 (one copy instead of two) of chr9:136,323,974-138,014,606 (1.69 Mb, GRCh38 coordinates, 1-based), cytogenetic band 9q34.3.
Identifiers: ClinVar variation 161082 (VCV000161082.1).

ClinVar aggregate classification (germline): Pathogenic (1 of 4 stars; one submission).

Submission:

ISCA site 4
Classification: Pathogenic. Last evaluated: 2011-08-12. Review status: criteria provided, single submitter. Criteria: Kaminsky et al. (Genet Med. 2011). Collection method: clinical testing. Allele origin: maternal. Affected: yes. Observed: 1 variant allele.
Comment: Copy number variation identified through the course of routine clinical cytogenomic testing in postnatal populations. Clinical assertions have been curated as described in Kaminsky et al. 2011.